The following is an entry in ClinVar:

ClinVar aggregate classification (germline): Benign/Likely benign. Review status: criteria provided, multiple submitters, no conflicts (2 of 4 stars). 12 submissions from 11 submitters: Benign (4); Likely benign (6). 2 of the submissions do not count toward it. Last evaluated 2026-03-01.

Conditions:
Connective tissue disorder. Also called: Connective tissue disease. Identifiers: MedGen C0009782, MONDO:0003900.
Spondyloperipheral dysplasia. Also called: SPONDYLOPERIPHERAL DYSPLASIA WITH SHORT ULNA; Spondyloperipheral dysplasia-short ulna syndrome. Identifiers: Orphanet 1856, MedGen C0796173, MONDO:0010078, OMIM 271700.
Spondyloepiphyseal dysplasia congenita (SEDC). Also called: SED CONGENITA; SPONDYLOEPIPHYSEAL DYSPLASIA, CONGENITAL TYPE. Identifiers: Orphanet 94068, MedGen C2745959, MONDO:0008471, OMIM 183900.
Avascular necrosis of femoral head, primary, 1 (ANFH1). Also called: Avascular necrosis of femoral head, primary. Identifiers: Orphanet 86820, MedGen C4551562, MONDO:0054550, OMIM 608805.
Spondyloepiphyseal dysplasia with metatarsal shortening. Also called: Pseudorheumatoid dysplasia progressive, with hypoplastic toes; CZECH DYSPLASIA, METATARSAL TYPE; SPONDYLOEPIPHYSEAL DYSPLASIA WITH PRECOCIOUS OSTEOARTHRITIS. Identifiers: Orphanet 137678, MedGen C1836683, MONDO:0012206, OMIM 609162.
Namaqualand hip dysplasia (OSCDP). Also called: Mild spondyloepiphyseal dysplasia due to COL2A1 mutation with early-onset osteoarthritis. Identifiers: Orphanet 93279, MedGen C0432214, MONDO:0011496, OMIM 604864.
Achondrogenesis type II (ACG2). Also called: CHONDROGENESIS IMPERFECTA; ACHONDROGENESIS, LANGER-SALDINO TYPE. Identifiers: Orphanet 932, Orphanet 93296, MedGen C0220685, MONDO:0008702, OMIM 200610.
Spondyloepimetaphyseal dysplasia, Strudwick type (SEMDSTWK). Also called: DAPPLED METAPHYSIS SYNDROME; STRUDWICK SYNDROME. Identifiers: Orphanet 93346, MedGen C0700635, MONDO:0008476, OMIM 184250.
Spondyloepiphyseal dysplasia, Stanescu type. Also called: SED, STANESCU TYPE; SPONDYLOEPIMETAPHYSEAL DYSPLASIA, STANESCU TYPE. Identifiers: Orphanet 459051, MedGen C4225273, MONDO:0014701, OMIM 616583.
Vitreoretinopathy with phalangeal epiphyseal dysplasia (VPED). Identifiers: MedGen C1852989, MONDO:0031001, OMIM 619248.
Stickler syndrome, type I, nonsyndromic ocular. Also called: STICKLER SYNDROME, ATYPICAL; STICKLER SYNDROME, TYPE I, PREDOMINANTLY OCULAR. Identifiers: MedGen C1836080, MONDO:0012287, OMIM 609508.
Spondylometaphyseal dysplasia - Sutcliffe type. Also called: Spondylometaphyseal dysplasia, 'corner fracture' type; Spondylometaphyseal Dysplasia, Corner Fracture Type; Sutcliffe type of spondylometaphyseal dysplasia; Sutcliffe SMD. Identifiers: Orphanet 93315, MedGen C0432221, MONDO:0008479, OMIM 184255.
Platyspondylic dysplasia, Torrance type (PLSDT). Identifiers: Orphanet 85166, MedGen C1835437, MONDO:0007895, OMIM 151210.
Stickler syndrome type 1 (STL1). Also called: ARTHROOPHTHALMOPATHY, HEREDITARY PROGRESSIVE; STICKLER SYNDROME, MEMBRANOUS VITREOUS TYPE; STICKLER SYNDROME, VITREOUS TYPE 1; COL2A1-Related Stickler Syndrome. Identifiers: Orphanet 828, Orphanet 90653, MedGen C2020284, MONDO:0007160, OMIM 108300.
Kniest dysplasia. Identifiers: Orphanet 485, MedGen C0265279, MONDO:0007987, OMIM 156550.
Legg-Calve-Perthes disease. Also called: Avascular necrosis of the capital femoral epiphysis; PERTHES DISEASE; Osteochondritis deformans; Coxa plana. Identifiers: Orphanet 2380, MedGen C1442965, MONDO:0007885, OMIM 150600, HP:0005743.
Multiple epiphyseal dysplasia, Beighton type. Identifiers: Orphanet 166011, MedGen C1851536, MONDO:0007562, OMIM 132450.
Type 2 collagenopathy. Identifiers: Orphanet 93421, MedGen C2931073, MONDO:0022800.

Allele frequency attached by ClinVar (database versions not stated): TOPMed 0.00131; ExAC 0.00257; 1000 Genomes Project 30x 0.00437; 1000 Genomes Project 0.00539; ESP Exome Variant Server 0.00008; gnomAD 0.00073 and 0.00105.
gnomAD v4.1: 1,142 of 1,613,620 alleles (0.071%); highest among the groups gnomAD compares: East Asian, 2%; 11 homozygotes.

Submissions (12):

CeGaT Center for Human Genetics Tuebingen
Classification: Likely benign. Last evaluated: 2026-03-01. Review status: criteria provided, single submitter. Criteria: CeGaT Center For Human Genetics Tuebingen Variant Classification Criteria Version 2. Collection method: clinical testing. Allele origin: germline. Affected: yes. Observed: 1 variant allele.
Comment: COL2A1: BS1

Labcorp Genetics (formerly Invitae), Labcorp
Classification: Benign. Last evaluated: 2026-02-02. Review status: criteria provided, single submitter. Criteria: Invitae Variant Classification Sherloc (09022015). Collection method: clinical testing. Allele origin: germline.

Blueprint Genetics
Classification: Likely benign. Last evaluated: 2024-11-15. Review status: criteria provided, single submitter. Criteria: ACMG Guidelines, 2015. Collection method: clinical testing. Allele origin: germline.

Genome Diagnostics Laboratory, The Hospital for Sick Children
Classification: Benign for Connective tissue disorder. Last evaluated: 2021-12-22. Review status: criteria provided, single submitter. Criteria: ACMG Guidelines, 2015. Collection method: clinical testing. Allele origin: germline.

Fulgent Genetics
Classification: Likely benign for Stickler syndrome type 1; Multiple epiphyseal dysplasia, Beighton type; Legg-Calve-Perthes disease; Platyspondylic dysplasia, Torrance type; Kniest dysplasia; Spondyloepiphyseal dysplasia congenita; Spondyloepimetaphyseal dysplasia, Strudwick type; Spondylometaphyseal dysplasia - Sutcliffe type; Achondrogenesis type II; Spondyloperipheral dysplasia; Namaqualand hip dysplasia; Avascular necrosis of femoral head, primary, 1; Spondyloepiphyseal dysplasia with metatarsal shortening; Stickler syndrome, type I, nonsyndromic ocular; Spondyloepiphyseal dysplasia, Stanescu type; Vitreoretinopathy with phalangeal epiphyseal dysplasia. Last evaluated: 2021-08-11. Review status: criteria provided, single submitter. Criteria: ACMG Guidelines, 2015. Collection method: clinical testing. Allele origin: unknown.

GeneDx
Classification: Benign. Last evaluated: 2018-07-05. Review status: criteria provided, single submitter. Criteria: GeneDx Variant Classification Process June 2021. Collection method: clinical testing. Allele origin: germline. Affected: yes.

Illumina Laboratory Services, Illumina
Classification: Likely benign for Type II Collagenopathies. Last evaluated: 2017-04-27. Review status: criteria provided, single submitter. Criteria: ICSL Variant Classification Criteria 13 December 2019. Collection method: clinical testing. Allele origin: germline.
Comment: This variant was observed as part of a predisposition screen in an ostensibly healthy population. A literature search was performed for the gene, cDNA change, and amino acid change (where applicable). Publications were found based on this search. The evidence from the literature, in combination with allele frequency data from public databases where available, was sufficient to determine this variant is unlikely to cause disease. Therefore, this variant is classified as likely benign.

Illumina Laboratory Services, Illumina
Classification: Likely benign for Stickler syndrome type 1. Last evaluated: 2017-04-27. Review status: criteria provided, single submitter. Criteria: ICSL Variant Classification Criteria 13 December 2019. Collection method: clinical testing. Allele origin: germline.
Comment: This variant was observed as part of a predisposition screen in an ostensibly healthy population. A literature search was performed for the gene, cDNA change, and amino acid change (where applicable). No publications were found based on this search. Allele frequency data from public databases allowed determination this variant is unlikely to cause disease. Therefore, this variant is classified as likely benign.

ARUP Laboratories, Molecular Genetics and Genomics, ARUP Laboratories
Classification: Likely benign. Last evaluated: 2017-02-28. Review status: criteria provided, single submitter. Criteria: ARUP Molecular Germline Variant Investigation Process. Collection method: clinical testing. Allele origin: germline.

PreventionGenetics, part of Exact Sciences
Classification: Benign. Review status: criteria provided, single submitter. Criteria: ACMG Guidelines, 2015. Collection method: clinical testing. Allele origin: germline.

Clinical Genetics DNA and cytogenetics Diagnostics Lab, Erasmus MC, Erasmus Medical Center
Classification: Benign. Review status: no assertion criteria provided. Collection method: clinical testing. Allele origin: germline. Affected: yes. Study: VKGL Data-share Consensus. Not counted in ClinVar's aggregate classification.

Clinical Genetics, Academic Medical Center
Classification: Benign. Review status: no assertion criteria provided. Collection method: clinical testing. Allele origin: germline. Affected: yes. Study: VKGL Data-share Consensus. Not counted in ClinVar's aggregate classification.

Literature cited by the submitters: PubMed 18272325 (cited by Illumina Laboratory Services, Illumina).

NM_001844.5(COL2A1):c.1913C>T (p.Thr638Ile)

Gene: COL2A1 (collagen type II alpha 1 chain; minus strand). Cytogenetic location: 12q13.11.
Variant type: single nucleotide variant.
Coding change: c.1913C>T on transcript NM_001844.5 (MANE Select); coding-DNA position 1913, C replaced by T.
Protein change: p.Thr638Ile; replaces threonine 638 with isoleucine.
Molecular consequence: missense variant.
Genome position (GRCh38, 1-based): chr12:47,984,115, G>A on the plus strand (C>T on the coding strand, the complement: COL2A1 is on the minus strand). VCF-style: chr12-47984115-G-A. GRCh37 (hg19) VCF-style: chr12-48377898-G-A.
Other names: c.1706C>T, p.Thr569Ile (NM_033150.3); short protein forms T638I, T569I.
Identifiers: ClinVar variation 258220 (VCV000258220.35), dbSNP rs41263847, ClinGen allele CA6535326.